The following is an entry in ClinVar:

ClinVar aggregate classification (germline): Pathogenic/Likely pathogenic. Review status: criteria provided, multiple submitters, no conflicts (2 of 4 stars). 2 submissions from 2 submitters: Pathogenic (1); Likely pathogenic (1). Last evaluated 2024-08-13.

Conditions:
Rahman syndrome. Also called: HIST1H1E Syndrome. Identifiers: Orphanet 642763, MedGen C4479637, MONDO:0044323, OMIM 617537.

Submissions (2):

3billion
Classification: Likely pathogenic for Rahman syndrome. Last evaluated: 2024-08-13. Review status: criteria provided, single submitter. Criteria: ACMG Guidelines, 2015. Collection method: clinical testing. Allele origin: germline. Affected: yes.
Comment: The variant is not observed in the gnomAD v4.0.0 dataset. Predicted Consequence/Location: Frameshift: predicted to result in a loss or disruption of normal protein function through protein truncation. The predicted truncated protein may be shortened by more than 10%. This variant was previously reported as pathogenic (ClinVar: VCV000801359) Therefore, this variant is classified as Likely pathogenic according to the recommendation of ACMG/AMP guideline.

Mendelics
Classification: Pathogenic for Rahman syndrome. Last evaluated: 2019-05-28. Review status: criteria provided, single submitter. Criteria: Mendelics Assertion Criteria 2017. Collection method: clinical testing. Allele origin: unknown.

NM_005321.3(H1-4):c.429_430del (p.Ala144fs)

Gene: H1-4 (H1.4 linker histone, cluster member; plus strand). Cytogenetic location: 6p22.2.
Variant type: Deletion.
Coding change: c.429_430del on transcript NM_005321.3 (MANE Select); coding-DNA positions 429 to 430, 2 bases deleted (GG; older notation c.429_430delGG).
Protein change: p.Ala144fs; shifts the reading frame from alanine 144.
Molecular consequence: frameshift variant.
Genome position (GRCh38, 1-based): chr6:26,156,819-26,156,820, GG deleted; deleting any 2 consecutive bases within chr6:26,156,816-26,156,820 gives the same sequence; the c. name uses the placement nearest the transcript's 3' end. VCF-style (leftmost placement, unchanged base first): chr6-26156815-CGG-C. GRCh37 (hg19) VCF-style: chr6-26157043-CGG-C.
Other names: short protein forms A144fs.
Identifiers: ClinVar variation 801359 (VCV000801359.2), dbSNP rs1131690805, ClinGen allele CA915944167.